The following is an entry in ClinVar:

NM_001349253.2(SCN11A):c.4363A>T (p.Ile1455Phe)

Gene: SCN11A (sodium voltage-gated channel alpha subunit 11; minus strand). Cytogenetic location: 3p22.2.
Variant type: single nucleotide variant.
Coding change: c.4363A>T on transcript NM_001349253.2 (MANE Select); coding-DNA position 4363, A replaced by T.
Protein change: p.Ile1455Phe; replaces isoleucine 1455 with phenylalanine.
Molecular consequence: missense variant.
Genome position (GRCh38, 1-based): chr3:38,847,707, T>A on the plus strand (A>T on the coding strand, the complement: SCN11A is on the minus strand). VCF-style: chr3-38847707-T-A. GRCh37 (hg19) VCF-style: chr3-38889198-T-A.
Other names: c.4363A>T, p.Ile1455Phe (NM_014139.3); short protein forms I1455F.
Identifiers: ClinVar variation 2636485 (VCV002636485.1), dbSNP rs2470968304, ClinGen allele CA352164106.
Genomic context (GRCh38, chr3:38,847,707, plus strand): 5'-TCAGGATTCGGCCAATCCGAGCCAAGCGGACAATTCTGAAGAGCGTCGGAGGGAAAGGAA[T>A]GTGCTCCTGATTTTCCAAGGTAGAAATCATTGTACCTCAGGAGAAGGAGAAAAGTAAATA-3'
Protein context (NP_001336182.1, residues 1445-1465): MISTLENQEH[Ile1455Phe]PFPPTLFRIV

ClinVar aggregate classification (germline): Uncertain significance (1 of 4 stars; one submission).

Conditions:
SCN11A-related disorder. Also called: SCN11A-related condition.

Submission:

PreventionGenetics, part of Exact Sciences
Classification: Uncertain significance for SCN11A-related condition. Last evaluated: 2022-09-13. Review status: criteria provided, single submitter. Criteria: ACMG Guidelines, 2015. Collection method: clinical testing. Allele origin: germline.
Comment: The SCN11A c.4363A>T variant is predicted to result in the amino acid substitution p.Ile1455Phe. To our knowledge, this variant has not been reported in the literature or in a large population database, indicating this variant is rare. At this time, the clinical significance of this variant is uncertain due to the absence of conclusive functional and genetic evidence.